The following is an entry in ClinVar:

ClinVar aggregate classification (germline): Likely benign (0 of 4 stars; one submission).

Conditions:
ADCY3-related disorder. Also called: ADCY3-related condition.

Submission:

PreventionGenetics, part of Exact Sciences
Classification: Likely benign for ADCY3-related condition. Last evaluated: 2022-12-22. Review status: no assertion criteria provided. Collection method: clinical testing. Allele origin: germline.
Comment: This variant is classified as likely benign based on ACMG/AMP sequence variant interpretation guidelines (Richards et al. 2015 PMID: 25741868, with internal and published modifications).

NM_004036.5(ADCY3):c.1527T>C (p.Asn509=)

Gene: ADCY3 (adenylate cyclase 3; minus strand). Cytogenetic location: 2p23.3.
Variant type: single nucleotide variant.
Coding change: c.1527T>C on transcript NM_004036.5 (MANE Select); coding-DNA position 1527, T replaced by C.
Protein change: p.Asn509=; no amino-acid change (asparagine 509 retained).
Molecular consequence: synonymous variant.
Genome position (GRCh38, 1-based): chr2:24,838,451, A>G on the plus strand (T>C on the coding strand, the complement: ADCY3 is on the minus strand). VCF-style: chr2-24838451-A-G. GRCh37 (hg19) VCF-style: chr2-25061320-A-G.
Other names: c.1527T>C, p.Asn509= (NM_001320613.2, NM_001377129.1, NM_001377130.1 and 1 more transcripts); c.1593T>C, p.Asn531= (NM_001377128.1); c.804T>C, p.Asn268= (NM_001377131.1).
Identifiers: ClinVar variation 3351409 (VCV003351409.1).
Genomic context (GRCh38, chr2:24,838,451, plus strand): 5'-CCCTAATCCAGGGGTGGGGTGGGTGGGGTGGGTGGGGTGGGGTGGGGAACTCACCGAGCC[A>G]TTGAGGCCATTCTGGGTGGCTGTTTTCTTCACCTCTGGCTTGGAGGCAATGATGAGGTAG-3'
Protein context (NP_004027.2, residues 499-519): VKKTATQNGL[Asn509=]GSALPNGAPA